The following is an entry in ClinVar:

NM_020774.4(MIB1):c.1246T>G (p.Ser416Ala)

Gene: MIB1 (MIB E3 ubiquitin protein ligase 1; plus strand). Cytogenetic location: 18q11.2.
Variant type: single nucleotide variant.
Coding change: c.1246T>G on transcript NM_020774.4 (MANE Select); coding-DNA position 1246, T replaced by G.
Protein change: p.Ser416Ala; replaces serine 416 with alanine.
Molecular consequence: missense variant.
Genome position (GRCh38, 1-based): chr18:21,799,849, T>G. VCF-style: chr18-21799849-T-G. GRCh37 (hg19) VCF-style: chr18-19379810-T-G.
Other names: short protein forms S416A.
Identifiers: ClinVar variation 4054645 (VCV004054645.1).
Genomic context (GRCh38, chr18:21,799,849, plus strand): 5'-AGTTAAGGTTTGAGATCCTCCTATATTAGCAGCTTTATTTGATGCTTTACAGAAAGACTC[T>G]CACAACTCCTGAAGAAATTATTTGAAACCCAAGAATCTGGTGACCTCAATGAAGAATTAG-3'
Protein context (NP_065825.1, residues 406-426): AISNASGERL[Ser416Ala]QLLKKLFETQ

ClinVar aggregate classification (germline): Uncertain significance (1 of 4 stars; one submission).

Conditions:
Inborn genetic diseases. Identifiers: MedGen C0950123, MeSH D030342.

gnomAD v4.1: 18 of 1,609,694 alleles (0.0011%); highest among the groups gnomAD compares: Non-Finnish European, 0.0014%; no homozygotes.

Submission:

Ambry Genetics
Classification: Uncertain significance for Inborn genetic diseases. Last evaluated: 2025-04-23. Review status: criteria provided, single submitter. Criteria: Ambry Variant Classification Scheme 2023. Collection method: clinical testing. Allele origin: germline.
Comment: The p.S416A variant (also known as c.1246T>G), located in coding exon 9 of the MIB1 gene, results from a T to G substitution at nucleotide position 1246. The serine at codon 416 is replaced by alanine, an amino acid with similar properties. This amino acid position is conserved. In addition, the in silico prediction for this alteration is inconclusive. Based on the available evidence, the clinical significance of this variant remains unclear.